The following is an entry in ClinVar:

NM_001009944.3(PKD1):c.8161+4C>T

Gene: PKD1 (polycystin 1, transient receptor potential channel interacting; minus strand). Cytogenetic location: 16p13.3.
Variant type: single nucleotide variant.
Coding change: c.8161+4C>T on transcript NM_001009944.3 (MANE Select); 4 bases into the intron after coding-DNA position 8161, C replaced by T.
Molecular consequence: intron variant.
Genome position (GRCh38, 1-based): chr16:2,104,494, G>A on the plus strand (C>T on the coding strand, the complement: PKD1 is on the minus strand). VCF-style: chr16-2104494-G-A. GRCh37 (hg19) VCF-style: chr16-2154495-G-A.
Other names: c.8161+4C>T (NM_000296.4).
Identifiers: ClinVar variation 522517 (VCV000522517.5), dbSNP rs766547394, ClinGen allele CA7830705.

ClinVar aggregate classification (germline): Uncertain significance. Review status: criteria provided, multiple submitters, no conflicts (2 of 4 stars). 4 submissions from 4 submitters: Uncertain significance (3). 1 of the submissions does not count toward it. Last evaluated 2025-07-30.

Conditions:
Polycystic kidney disease, adult type (PKD1). Also called: POLYCYSTIC KIDNEY DISEASE, ADULT, TYPE I; Polycystic Kidney Disease 1, Autosomal Dominant; Polycystic kidney disease 1; Polycystic kidney disease 1, severe; Polycystic Kidney, Autosomal Dominant; POLYCYSTIC KIDNEY DISEASE 1 WITH OR WITHOUT POLYCYSTIC LIVER DISEASE. Identifiers: MedGen C3149841, MONDO:0008263, OMIM 173900.

Allele frequency attached by ClinVar (database versions not stated): ExAC below 0.00001; gnomAD exomes below 0.00001; TOPMed 0.00001; gnomAD 0.00002.
gnomAD v4.1: 9 of 1,517,330 alleles (0.00059%); highest among the groups gnomAD compares: Middle Eastern, 0.023%; no homozygotes.

Submissions (4):

GeneDx
Classification: Uncertain significance. Last evaluated: 2025-07-30. Review status: criteria provided, single submitter. Criteria: GeneDx Variant Classification Process June 2021. Collection method: clinical testing. Allele origin: germline. Affected: yes.
Comment: Not observed at significant frequency in large population cohorts (gnomAD); In silico analysis suggests this variant may impact gene splicing. In the absence of RNA/functional studies, the actual effect of this sequence change is unknown.; Has not been previously published as pathogenic or benign to our knowledge

Fulgent Genetics
Classification: Uncertain significance for Polycystic kidney disease, adult type. Last evaluated: 2024-03-12. Review status: criteria provided, single submitter. Criteria: ACMG Guidelines, 2015. Collection method: clinical testing. Allele origin: germline.

Blueprint Genetics
Classification: Uncertain significance. Last evaluated: 2021-02-15. Review status: criteria provided, single submitter. Criteria: ACMG Guidelines, 2015. Collection method: clinical testing. Allele origin: germline.

Bioscientia Institut fuer Medizinische Diagnostik GmbH, Sonic Healthcare
Classification: Uncertain significance for Polycystic kidney disease, adult type. Last evaluated: 2017-10-13. Review status: no assertion criteria provided. Collection method: clinical testing. Allele origin: germline. Affected: yes. Not counted in ClinVar's aggregate classification.